The following is an entry in ClinVar:

NM_000260.4(MYO7A):c.1145T>C (p.Val382Ala)

Gene: MYO7A (myosin VIIA; plus strand). Cytogenetic location: 11q13.5.
Variant type: single nucleotide variant.
Coding change: c.1145T>C on transcript NM_000260.4 (MANE Select); coding-DNA position 1145, T replaced by C.
Protein change: p.Val382Ala; replaces valine 382 with alanine.
Molecular consequence: missense variant.
Genome position (GRCh38, 1-based): chr11:77,160,227, T>C. VCF-style: chr11-77160227-T-C. GRCh37 (hg19) VCF-style: chr11-76871273-T-C.
Other names: c.1145T>C, p.Val382Ala (NM_001127180.2); c.1112T>C, p.Val371Ala (NM_001369365.1); short protein forms V382A, V371A.
Identifiers: ClinVar variation 3634251 (VCV003634251.2).
Genomic context (GRCh38, chr11:77,160,227, plus strand): 5'-ACCCCCCAGACCTGATGAGCTGCCTGACTAGCCGCACCCTCATCACCCGCGGGGAGACGG[T>C]GTCCACCCCACTGAGCAGGGAACAGGCACTGGACGTGCGCGACGCCTTCGTAAAGGTGGG-3'
Protein context (NP_000251.3, residues 372-392): SRTLITRGET[Val382Ala]STPLSREQAL

ClinVar aggregate classification (germline): Uncertain significance (1 of 4 stars; one submission).

gnomAD v4.1: 1 of 1,581,350 alleles (0.000063%); highest among the groups gnomAD compares: African/African-American, 0.0013%; no homozygotes.

Submission:

Labcorp Genetics (formerly Invitae), Labcorp
Classification: Uncertain significance. Last evaluated: 2024-10-30. Review status: criteria provided, single submitter. Criteria: Invitae Variant Classification Sherloc (09022015). Collection method: clinical testing. Allele origin: germline.
Comment: This sequence change replaces valine, which is neutral and non-polar, with alanine, which is neutral and non-polar, at codon 382 of the MYO7A protein (p.Val382Ala). This variant is not present in population databases (gnomAD no frequency). This variant has not been reported in the literature in individuals affected with MYO7A-related conditions. Invitae Evidence Modeling of protein sequence and biophysical properties (such as structural, functional, and spatial information, amino acid conservation, physicochemical variation, residue mobility, and thermodynamic stability) indicates that this missense variant is expected to disrupt MYO7A protein function with a positive predictive value of 95%. In summary, the available evidence is currently insufficient to determine the role of this variant in disease. Therefore, it has been classified as a Variant of Uncertain Significance.